The following is an entry in ClinVar:

ClinVar aggregate classification (germline): Benign/Likely benign. Review status: criteria provided, multiple submitters, no conflicts (2 of 4 stars). 18 submissions from 18 submitters: Benign (6); Likely benign (8). 4 of the submissions do not count toward it. Last evaluated 2026-09-01.

Conditions:
Hereditary cancer-predisposing syndrome. Also called: Hereditary neoplastic syndrome; Tumor predisposition; Neoplastic Syndromes, Hereditary; Hereditary Cancer Syndrome. Identifiers: Orphanet 140162, MedGen C0027672, MeSH D009386, MONDO:0015356.
Familial adenomatous polyposis 1 (FAP1). Also called: FAMILIAL ADENOMATOUS POLYPOSIS 1, ATTENUATED; POLYPOSIS, ADENOMATOUS INTESTINAL. Identifiers: MedGen C2713442, MONDO:0021056, OMIM 175100. Disease mechanism: loss of function.

Allele frequency attached by ClinVar (database versions not stated): gnomAD exomes 0.00004 and 0.00008; ExAC 0.00008; TOPMed 0.00014; gnomAD 0.00016 and 0.00019; ESP Exome Variant Server 0.00023; 1000 Genomes Project 30x 0.00078; 1000 Genomes Project 0.00080.
gnomAD v4.1: 90 of 1,611,150 alleles (0.0056%); highest among the groups gnomAD compares: Middle Eastern, 0.15%; 1 homozygote.

Submissions (18):

CeGaT Center for Human Genetics Tuebingen
Classification: Likely benign. Last evaluated: 2026-09-01. Review status: criteria provided, single submitter. Criteria: CeGaT Center For Human Genetics Tuebingen Variant Classification Criteria Version 2. Collection method: clinical testing. Allele origin: germline. Affected: yes. Observed: 4 variant alleles.
Comment: APC: BP4, BP7

Labcorp Genetics (formerly Invitae), Labcorp
Classification: Benign for Familial adenomatous polyposis 1. Last evaluated: 2026-01-19. Review status: criteria provided, single submitter. Criteria: Invitae Variant Classification Sherloc (09022015). Collection method: clinical testing. Allele origin: germline.

Center for Genomic Medicine, Rigshospitalet, Copenhagen University Hospital
Classification: Likely benign. Last evaluated: 2025-03-04. Review status: criteria provided, single submitter. Criteria: ACMG Guidelines, 2015. Collection method: clinical testing. Allele origin: germline.

Blueprint Genetics
Classification: Likely benign. Last evaluated: 2024-02-01. Review status: criteria provided, single submitter. Criteria: ACMG Guidelines, 2015. Collection method: clinical testing. Allele origin: germline.

KCCC/NGS Laboratory, Kuwait Cancer Control Center
Classification: Benign for Familial adenomatous polyposis 1. Last evaluated: 2023-07-07. Review status: criteria provided, single submitter. Criteria: ACMG Guidelines, 2015. Collection method: clinical testing. Allele origin: germline. Affected: yes.

Myriad Genetics, Inc.
Classification: Benign for Familial adenomatous polyposis 1. Last evaluated: 2023-02-17. Review status: criteria provided, single submitter. Criteria: Myriad Autosomal Dominant, Autosomal Recessive and X-Linked Classification Criteria (2023). Collection method: clinical testing. Allele origin: unknown.
Comment: This variant is considered benign. This variant is a silent/synonymous amino acid change and it is not expected to impact splicing.

Sema4
Classification: Likely benign for Hereditary cancer-predisposing syndrome. Last evaluated: 2021-05-03. Review status: criteria provided, single submitter. Criteria: Sema4 Curation Guidelines. Collection method: curation. Allele origin: germline.

Quest Diagnostics Nichols Institute San Juan Capistrano
Classification: Benign. Last evaluated: 2020-08-04. Review status: criteria provided, single submitter. Criteria: Quest Diagnostics criteria. Collection method: clinical testing. Allele origin: unknown.

Mendelics
Classification: Likely benign for Familial adenomatous polyposis 1. Last evaluated: 2019-05-28. Review status: criteria provided, single submitter. Criteria: Mendelics Assertion Criteria 2017. Collection method: clinical testing. Allele origin: unknown.

PreventionGenetics, part of Exact Sciences
Classification: Likely benign. Last evaluated: 2018-01-12. Review status: criteria provided, single submitter. Criteria: ACMG Guidelines, 2015. Collection method: clinical testing. Allele origin: germline.

Women's Health and Genetics/Laboratory Corporation of America, LabCorp
Classification: Benign. Last evaluated: 2017-02-23. Review status: criteria provided, single submitter. Criteria: LabCorp Variant Classification Summary - May 2015. Collection method: clinical testing. Allele origin: germline.
Comment: Variant summary: The APC c.6510A>C (p.Pro2170Pro) variant causes a synonymous change involving the alteration of a non-conserved nucleotide, which 3/5 splice prediction tools predict an impact on normal splicing. ESE finder predicts that this variant may alter ESE binding. However, these predictions have yet to be confirmed by functional studies. This variant was found in 10/119892 control chromosomes, predominantly observed in the African subpopulation at a frequency of 0.000725 (7/9652). This frequency is about 10 times the estimated maximal expected allele frequency of a pathogenic APC variant (0.0000714), suggesting this is likely a benign polymorphism found primarily in population(s) of African origin. A publication cites the variant in affected individual, however, with limited information (ie, lack of co-occurrence and cosegregation data) and listing it as a "constitutional polymorphism" without providing evidence to evaluate. In addition, a clinical diagnostic laboratory cites the variant with a classification of "likely benign." Therefore, the variant of interest has been classified as Benign.

Color Diagnostics, LLC DBA Color Health
Classification: Likely benign for Hereditary cancer-predisposing syndrome. Last evaluated: 2016-06-16. Review status: criteria provided, single submitter. Criteria: ACMG Guidelines, 2015. Collection method: clinical testing. Allele origin: germline.

GeneDx
Classification: Benign. Last evaluated: 2015-04-09. Review status: criteria provided, single submitter. Criteria: GeneDx Variant Classification (06012015). Collection method: clinical testing. Allele origin: germline. Affected: yes.
Comment: This variant is considered likely benign or benign based on one or more of the following criteria: it is a conservative change, it occurs at a poorly conserved position in the protein, it is predicted to be benign by multiple in silico algorithms, and/or has population frequency not consistent with disease.

Ambry Genetics
Classification: Likely benign for Hereditary cancer-predisposing syndrome. Last evaluated: 2014-12-26. Review status: criteria provided, single submitter. Criteria: Ambry Variant Classification Scheme 2023. Collection method: clinical testing. Allele origin: germline.

Counsyl
Classification: Likely benign for Familial adenomatous polyposis 1. Last evaluated: 2018-03-08. Review status: no assertion criteria provided. Collection method: clinical testing. Allele origin: unknown. Not counted in ClinVar's aggregate classification.

Clinical Genetics, Academic Medical Center
Classification: Likely benign. Review status: no assertion criteria provided. Collection method: clinical testing. Allele origin: germline. Affected: yes. Study: VKGL Data-share Consensus. Not counted in ClinVar's aggregate classification.

Department of Pathology and Laboratory Medicine, Sinai Health System
Classification: Likely benign for Familial adenomatous polyposis 1. Review status: no assertion criteria provided. Collection method: clinical testing. Allele origin: unknown. Affected: yes. Observed: 1 variant allele. Study: The Canadian Open Genetics Repository (COGR). Not counted in ClinVar's aggregate classification.
Comment: The APC p.Pro2170= variant was identified in 1 of 42 proband chromosomes (frequency: 0.02) from individuals or families with FAP (Leon 2013). The variant was also identified in dbSNP (ID: rs138571760) as "With other allele", ClinVar (classified as benign by GeneDx and Integrated Genetics/Laboratory Corporation of America; as likely benign by Invitae, Ambry Genetics and four other submitters). The variant was not identified in LOVD 3.0. The variant was identified in our laboratory with a co-occurring pathogenic APC variant (c.3329C>G (p.Ser1110*)), increasing the likelihood that the p.Pro2170= variant does not have clinical significance. The variant was identified in control databases in 25 of 275938 chromosomes at a frequency of 0.00009 increasing the likelihood this could be a low frequency benign variant (Genome Aggregation Database Feb 27, 2017). The variant was observed in the following populations: African in 10 of 23862 chromosomes (freq: 0.0004), Other in 3 of 6442 chromosomes (freq: 0.0005), Latino in 7 of 34288 chromosomes (freq: 0.0002), European in 5 of 126090 chromosomes (freq: 0.00004), while the variant was not observed in the Ashkenazi Jewish, East Asian, Finnish, and South Asian populations. The p.Pro2170= variant is not expected to have clinical significance because it does not result in a change of amino acid and is not located in a known consensus splice site. The variant occurs outside of the splicing consensus sequence and 2 of 4 in silico or computational prediction software programs (SpliceSiteFinder, MaxEntScan, NNSPLICE, GeneSplicer) predict a greater than 10% difference in splicing; this is not very predictive of pathogenicity. In summary, based on the above information the clinical significance of this variant cannot be determined with certainty at this time although we would lean towards a more benign role for this variant. This variant is classified as likely benign.

Laboratory of Diagnostic Genome Analysis, Leiden University Medical Center (LUMC)
Classification: Likely benign. Review status: no assertion criteria provided. Collection method: clinical testing. Allele origin: germline. Affected: yes. Study: VKGL Data-share Consensus. Not counted in ClinVar's aggregate classification.

Literature cited by the submitters: PubMed 22976915 (cited by 3 submitters).

NM_000038.6(APC):c.6510A>C (p.Pro2170=)

Gene: APC (APC regulator of Wnt signaling pathway; plus strand). Cytogenetic location: 5q22.2.
Variant type: single nucleotide variant.
Coding change: c.6510A>C on transcript NM_000038.6 (MANE Select); coding-DNA position 6510, A replaced by C.
Protein change: p.Pro2170=; no amino-acid change (proline 2170 retained).
Molecular consequence: synonymous variant.
Genome position (GRCh38, 1-based): chr5:112,842,104, A>C. VCF-style: chr5-112842104-A-C. GRCh37 (hg19) VCF-style: chr5-112177801-A-C.
Other names: c.6510A>C, p.Pro2170= (NM_001127510.3, NM_001354895.2); c.6456A>C, p.Pro2152= (NM_001127511.3); c.6564A>C, p.Pro2188= (NM_001354896.2); c.6540A>C, p.Pro2180= (NM_001354897.2); c.6435A>C, p.Pro2145= (NM_001354898.2); c.6426A>C, p.Pro2142= (NM_001354899.2); c.6387A>C, p.Pro2129= (NM_001354900.2); c.6333A>C, p.Pro2111= (NM_001354901.2); and 5 more.
Identifiers: ClinVar variation 184071 (VCV000184071.53), dbSNP rs138571760, ClinGen allele CA012246.
Genomic context (GRCh38, chr5:112,842,104, plus strand): 5'-TACACCTGATCAAGAAGAAAAACCCTTTACAAGTAATAAAGGCCCACGAATTCTAAAACC[A>C]GGGGAGAAAAGTACATTGGAAACTAAAAAGATAGAATCTGAAAGTAAAGGAATCAAAGGA-3'
Protein context (NP_000029.2, residues 2160-2180): TSNKGPRILK[Pro2170=]GEKSTLETKK